The following is an entry in ClinVar:

ClinVar aggregate classification (germline): Conflicting classifications of pathogenicity. Review status: criteria provided, conflicting classifications (1 of 4 stars). 6 submissions from 6 submitters: Pathogenic (2); Uncertain significance (2). 2 of the submissions do not count toward it. Last evaluated 2025-03-23.

Conditions:
VPS13B-related disorder. Also called: VPS13B-related condition.
High myopia, early-onset. Identifiers: MedGen C5394216.
Cohen syndrome (COH1). Also called: PEPPER SYNDROME; Cutis verticis gyrata, retinitis pigmentosa, and sensorineural deafness. Identifiers: Orphanet 193, MedGen C0265223, MONDO:0008999, OMIM 216550.

Allele frequency attached by ClinVar (database versions not stated): gnomAD below 0.00001 and 0.00001; ExAC 0.00002; gnomAD exomes 0.00002.
gnomAD v4.1: 16 of 1,613,874 alleles (0.00099%); highest among the groups gnomAD compares: South Asian, 0.012%; no homozygotes.

Submissions (6):

Labcorp Genetics (formerly Invitae), Labcorp
Classification: Uncertain significance for Cohen syndrome. Last evaluated: 2025-03-23. Review status: criteria provided, single submitter. Criteria: Invitae Variant Classification Sherloc (09022015). Collection method: clinical testing. Allele origin: germline.
Comment: This sequence change replaces arginine, which is basic and polar, with cysteine, which is neutral and slightly polar, at codon 1787 of the VPS13B protein (p.Arg1787Cys). This variant is present in population databases (rs780314338, gnomAD 0.02%). This variant has not been reported in the literature in individuals affected with VPS13B-related conditions. ClinVar contains an entry for this variant (Variation ID: 909334). Invitae Evidence Modeling of protein sequence and biophysical properties (such as structural, functional, and spatial information, amino acid conservation, physicochemical variation, residue mobility, and thermodynamic stability) indicates that this missense variant is expected to disrupt VPS13B protein function with a positive predictive value of 80%. In summary, the available evidence is currently insufficient to determine the role of this variant in disease. Therefore, it has been classified as a Variant of Uncertain Significance.

Ophthalmic Genetics and Bioinformatics Laboratory, Shanghai Puxi and Light Genomics Technology Co., Ltd.
Classification: Pathogenic for Cohen syndrome; High myopia, early-onset. Last evaluated: 2023-02-01. Review status: criteria provided, single submitter. Criteria: Standards And Guidelines For The Interpretation Of Sequence Variants. Collection method: clinical testing. Allele origin: maternal. Affected: yes.

Illumina Laboratory Services, Illumina
Classification: Uncertain significance for Cohen syndrome. Last evaluated: 2018-01-13. Review status: criteria provided, single submitter. Criteria: ICSL Variant Classification Criteria 13 December 2019. Collection method: clinical testing. Allele origin: germline.

Ningxia Clinical Research Institute, People's Hospital of Ningxia Hui Autonomous Region
Classification: Pathogenic for Cohen syndrome. Review status: criteria provided, single submitter. Criteria: ACMG Guidelines, 2015. Collection method: clinical testing. Allele origin: inherited. Inheritance: Autosomal recessive inheritance. Affected: yes. Observed: 1 compound heterozygote.
Comment: ACMG guidelines: 1. 2. Both variants are absent from ExAC_EAS and other population databases (PM2_Moderate). 3. Bioinformatic algorithms predict both variants to be damaging (PP3_Supporting). 4. Cross-species conservation analysis shows that amino-acid positions 852 and 1787 are highly conserved, suggesting that the variants are likely to impair VPS13B protein structure and function (PP3_Supporting). According to the ACMG guidelines, compound-heterozygous VPS13B variants c.2555C>G (p.Ser852Ter) and c.5359C>T (p.Arg1787Cys) was classified as Pathogenic

PreventionGenetics, part of Exact Sciences
Classification: Uncertain significance for VPS13B-related condition. Last evaluated: 2023-11-29. Review status: no assertion criteria provided. Collection method: clinical testing. Allele origin: germline. Not counted in ClinVar's aggregate classification.
Comment: The VPS13B c.5284C>T variant is predicted to result in the amino acid substitution p.Arg1762Cys. To our knowledge, this variant has not been reported in the literature. This variant is reported in 0.016% of alleles in individuals of South Asian descent in gnomAD. At this time, the clinical significance of this variant is uncertain due to the absence of conclusive functional and genetic evidence.

Natera, Inc.
Classification: Uncertain significance for Cohen syndrome. Last evaluated: 2021-09-14. Review status: no assertion criteria provided. Collection method: clinical testing. Allele origin: germline. Not counted in ClinVar's aggregate classification.

NM_152564.5(VPS13B):c.5284C>T (p.Arg1762Cys)

Gene: VPS13B (vacuolar protein sorting 13 homolog B; plus strand). Cytogenetic location: 8q22.2.
Variant type: single nucleotide variant.
Coding change: c.5284C>T on transcript NM_152564.5 (MANE Select); coding-DNA position 5284, C replaced by T.
Protein change: p.Arg1762Cys; replaces arginine 1762 with cysteine.
Molecular consequence: missense variant.
Genome position (GRCh38, 1-based): chr8:99,641,874, C>T. VCF-style: chr8-99641874-C-T. GRCh37 (hg19) VCF-style: chr8-100654102-C-T.
Other names: c.5359C>T, p.Arg1787Cys (NM_017890.5); c.5284C>T (NM_152564.4); short protein forms R1762C, R1787C.
Identifiers: ClinVar variation 909334 (VCV000909334.13), dbSNP rs780314338, ClinGen allele CA4823800.